The following is an entry in ClinVar:

ClinVar aggregate classification (germline): Pathogenic (1 of 4 stars; one submission).

Conditions:
WDR45-related disorder. Also called: WDR45-related condition.

Submission:

PreventionGenetics, part of Exact Sciences
Classification: Pathogenic for WDR45-related condition. Last evaluated: 2022-12-22. Review status: criteria provided, single submitter. Criteria: ACMG Guidelines, 2015. Collection method: clinical testing. Allele origin: germline.
Comment: The WDR45 c.561_564dupCACG variant is predicted to result in a frameshift and premature protein termination (p.Ile189Hisfs*8). To our knowledge, this variant has not been reported in the literature or in a large population database, indicating this variant is rare. Frameshift variants in WDR45 are expected to be pathogenic. This variant is interpreted as pathogenic.

NM_001029896.2(WDR45):c.558_561dup (p.Ile188fs)

Gene: WDR45 (WD repeat domain 45; minus strand). Cytogenetic location: Xp11.23.
Variant type: Duplication.
Coding change: c.558_561dup on transcript NM_001029896.2 (MANE Select); coding-DNA positions 558 to 561, 4 bases duplicated (CACG; older notation c.558_561dupCACG).
Protein change: p.Ile188fs; shifts the reading frame from isoleucine 188.
Molecular consequence: frameshift variant.
Genome position (GRCh38, 1-based): chrX:49,075,709-49,075,712, CGTG duplicated on the plus strand (CACG on the coding strand, the reverse complement: WDR45 is on the minus strand). VCF-style (leftmost placement, unchanged base first): chrX-49075708-T-TCGTG. GRCh37 (hg19) VCF-style: chrX-48933367-T-TCGTG.
Other names: c.561_564dup, p.Ile189fs (NM_007075.4); short protein forms I188fs, I189fs.
Identifiers: ClinVar variation 2635545 (VCV002635545.1), dbSNP rs2520261696, ClinGen allele CA2695200201.
Genomic context (GRCh38, chrX:49,075,708, plus strand): 5'-CCACTACAGTGCCTGGCTGGTTTAGAGACACACAGGCTATGTCACTCTGATGTGCATTGA[T>TCGTG]CGTGAATGGAGCAGACGAGGTGCCAGGCTTTGTGCTCGCCAGGTCCTGGGGTAGGAGGGA-3'